The following is an entry in ClinVar:

NM_000170.3(GLDC):c.*540C>T

Gene: GLDC (glycine decarboxylase; minus strand). Cytogenetic location: 9p24.1.
Variant type: single nucleotide variant.
Coding change: c.*540C>T on transcript NM_000170.3 (MANE Select); 540 bases downstream of the stop codon, C replaced by T.
Molecular consequence: 3 prime UTR variant.
Genome position (GRCh38, 1-based): chr9:6,532,477, G>A on the plus strand (C>T on the coding strand, the complement: GLDC is on the minus strand). VCF-style: chr9-6532477-G-A. GRCh37 (hg19) VCF-style: chr9-6532477-G-A.
Identifiers: ClinVar variation 367162 (VCV000367162.6), dbSNP rs7848919, ClinGen allele CA10627482.
Genomic context (GRCh38, chr9:6,532,477, plus strand): 5'-TAGGTTGTAACGGTGGTAAAACTATAAAGTACACCAAGAGAAAGGCATTCTTCCGATCAA[G>A]ATGCTTTTATTAGAATACTAATAAATGCAGATTAAAAAAAAAAAAACCTCACACAGAAAA-3'

ClinVar aggregate classification (germline): Benign. Review status: criteria provided, multiple submitters, no conflicts (2 of 4 stars). 2 submissions from 2 submitters: Benign (2). Last evaluated 2018-01-13.

Conditions:
Glycine encephalopathy. Also called: Nonketotic hyperglycinemia; Non-ketotic hyperglycinemia. Identifiers: Orphanet 407, MedGen C0751748, MONDO:0011612, HP:0008288.

Allele frequency attached by ClinVar (database versions not stated): gnomAD exomes 0.62880; gnomAD 0.70462 and 0.71051; TOPMed 0.70648; 1000 Genomes Project 30x 0.76843; 1000 Genomes Project 0.77117.
gnomAD v4.1: 109,268 of 154,584 alleles (71%); highest among the groups gnomAD compares: East Asian, 97%; 38,956 homozygotes.

Submissions (2):

Illumina Laboratory Services, Illumina
Classification: Benign for Glycine encephalopathy 1. Last evaluated: 2018-01-13. Review status: criteria provided, single submitter. Criteria: ICSL Variant Classification Criteria 13 December 2019. Collection method: clinical testing. Allele origin: germline.
Comment: This variant was observed in the ICSL laboratory as part of a predisposition screen in an ostensibly healthy population. It had not been previously curated by ICSL or reported in the Human Gene Mutation Database (HGMD: prior to June 1st, 2018), and was therefore a candidate for classification through an automated scoring system. Utilizing variant allele frequency, disease prevalence and penetrance estimates, and inheritance mode, an automated score was calculated to assess if this variant is too frequent to cause the disease. Based on the score and internal cut-off values, a variant classified as benign is not then subjected to further curation. The score for this variant resulted in a classification of benign for this disease.

Breakthrough Genomics
Classification: Benign. Review status: criteria provided, single submitter. Criteria: ACMG Guidelines, 2015. Collection method: not provided. Allele origin: germline. Inheritance: Autosomal recessive inheritance. Affected: yes.